The following is an entry in ClinVar:

NM_001034850.3(RETREG1):c.852C>T (p.Asp284=)

Gene: RETREG1 (reticulophagy regulator 1; minus strand). Cytogenetic location: 5p15.1.
Variant type: single nucleotide variant.
Coding change: c.852C>T on transcript NM_001034850.3 (MANE Select); coding-DNA position 852, C replaced by T.
Protein change: p.Asp284=; no amino-acid change (aspartic acid 284 retained).
Molecular consequence: synonymous variant.
Genome position (GRCh38, 1-based): chr5:16,478,055, G>A on the plus strand (C>T on the coding strand, the complement: RETREG1 is on the minus strand). VCF-style: chr5-16478055-G-A. GRCh37 (hg19) VCF-style: chr5-16478164-G-A.
Other names: c.429C>T, p.Asp143= (NM_019000.5).
Identifiers: ClinVar variation 772548 (VCV000772548.13), dbSNP rs547400718, ClinGen allele CA3210321.
Genomic context (GRCh38, chr5:16,478,055, plus strand): 5'-AACCACACAGGAACAAATTGAAAACTAAACAAAAAATACCTTAGGACAAAGAGCTGAAAA[G>A]TCTAATTCACTGTCATCTTTGTGACTTTTTTCTTTGTCTGCTTCTGTTGAGGAAAAAATT-3'
Protein context (NP_001030022.1, residues 274-294): EKSHKDDSEL[Asp284=]FSALCPKISL

ClinVar aggregate classification (germline): Likely benign. Review status: criteria provided, multiple submitters, no conflicts (2 of 4 stars). 4 submissions from 4 submitters: Likely benign (4). Last evaluated 2025-12-04.

Conditions:
RETREG1-related disorder. Also called: RETREG1-related condition.

Allele frequency attached by ClinVar (database versions not stated): gnomAD exomes 0.00003 and 0.00006; ExAC 0.00005; TOPMed 0.00015; 1000 Genomes Project 0.00020; gnomAD 0.00023 and 0.00025; 1000 Genomes Project 30x 0.00031.
gnomAD v4.1: 80 of 1,610,276 alleles (0.005%); highest among the groups gnomAD compares: African/African-American, 0.092%; no homozygotes.

Submissions (4):

Labcorp Genetics (formerly Invitae), Labcorp
Classification: Likely benign. Last evaluated: 2025-12-04. Review status: criteria provided, single submitter. Criteria: Invitae Variant Classification Sherloc (09022015). Collection method: clinical testing. Allele origin: germline.

PreventionGenetics, part of Exact Sciences
Classification: Likely benign for RETREG1-related condition. Last evaluated: 2025-07-30. Review status: criteria provided, single submitter. Criteria: ACMG Guidelines, 2015. Collection method: clinical testing. Allele origin: germline.
Comment: This variant is classified as likely benign based on ACMG/AMP sequence variant interpretation guidelines (Richards et al. 2015 PMID: 25741868, with internal and published modifications).

GeneDx
Classification: Likely benign. Last evaluated: 2018-08-31. Review status: criteria provided, single submitter. Criteria: GeneDx Variant Classification Process June 2021. Collection method: clinical testing. Allele origin: germline. Affected: yes.
Comment: See Variant Classification Assertion Criteria.

Breakthrough Genomics
Classification: Likely benign. Review status: criteria provided, single submitter. Criteria: ACMG Guidelines, 2015. Collection method: not provided. Allele origin: germline. Inheritance: Autosomal recessive inheritance. Affected: yes.